The following is an entry in ClinVar:

NM_003072.5(SMARCA4):c.513A>G (p.Pro171=)

Gene: SMARCA4 (SWI/SNF related BAF chromatin remodeling complex subunit ATPase 4; plus strand). Cytogenetic location: 19p13.2.
Variant type: single nucleotide variant.
Coding change: c.513A>G on transcript NM_003072.5 (MANE Select); coding-DNA position 513, A replaced by G.
Protein change: p.Pro171=; no amino-acid change (proline 171 retained).
Molecular consequence: synonymous variant. On other transcripts: non-coding transcript variant (1).
Genome position (GRCh38, 1-based): chr19:10,986,346, A>G. VCF-style: chr19-10986346-A-G. GRCh37 (hg19) VCF-style: chr19-11097022-A-G.
Other names: c.513A>G, p.Pro171= (NM_001128844.3, NM_001128845.2, NM_001128846.2 and 5 more transcripts).
Identifiers: ClinVar variation 484872 (VCV000484872.15), dbSNP rs770656118, ClinGen allele CA9203522.
Genomic context (GRCh38, chr19:10,986,346, plus strand): 5'-TGCCCCGCTGGATGGTGCTGACCCCCAGGCCTTGGGGCAGCAGAACCGGGGCCCAACCCC[A>G]TTTAACCAGAACCAGCTGCACCAGCTCAGAGCTCAGATCATGGCCTACAAGATGCTGGCC-3'
Protein context (NP_003063.2, residues 161-181): ALGQQNRGPT[Pro171=]FNQNQLHQLR

ClinVar aggregate classification (germline): Benign/Likely benign. Review status: criteria provided, multiple submitters, no conflicts (2 of 4 stars). 4 submissions from 4 submitters: Benign (1); Likely benign (3). Last evaluated 2026-07-09.

Conditions:
Hereditary cancer-predisposing syndrome. Also called: Tumor predisposition; Neoplastic Syndromes, Hereditary; Hereditary Cancer Syndrome; Hereditary neoplastic syndrome. Identifiers: Orphanet 140162, MedGen C0027672, MeSH D009386, MONDO:0015356.
Rhabdoid tumor predisposition syndrome 2 (RTPS2). Identifiers: Orphanet 231108, Orphanet 69077, MedGen C2750074, MONDO:0013224, OMIM 613325.

Allele frequency attached by ClinVar (database versions not stated): gnomAD exomes below 0.00001; ExAC 0.00001; gnomAD 0.00001; TOPMed 0.00001.
gnomAD v4.1: 6 of 1,612,684 alleles (0.00037%); highest among the groups gnomAD compares: South Asian, 0.0011%; no homozygotes.

Submissions (4):

Myriad Genetics, Inc.
Classification: Benign for Rhabdoid tumor predisposition syndrome 2. Last evaluated: 2026-07-09. Review status: criteria provided, single submitter. Criteria: Myriad Autosomal Dominant, Autosomal Recessive and X-Linked Classification Criteria (2023). Collection method: clinical testing. Allele origin: unknown.
Comment: This variant is considered benign. This variant is a silent/synonymous amino acid change and it is not expected to impact splicing.

Labcorp Genetics (formerly Invitae), Labcorp
Classification: Likely benign for Rhabdoid tumor predisposition syndrome 2. Last evaluated: 2026-01-19. Review status: criteria provided, single submitter. Criteria: Invitae Variant Classification Sherloc (09022015). Collection method: clinical testing. Allele origin: germline.

Sema4
Classification: Likely benign for Hereditary cancer-predisposing syndrome. Last evaluated: 2021-04-19. Review status: criteria provided, single submitter. Criteria: Sema4 Curation Guidelines. Collection method: curation. Allele origin: germline.

Ambry Genetics
Classification: Likely benign for Hereditary cancer-predisposing syndrome. Last evaluated: 2016-03-18. Review status: criteria provided, single submitter. Criteria: Ambry Variant Classification Scheme 2023. Collection method: clinical testing. Allele origin: germline.